The following is an entry in ClinVar:

ClinVar aggregate classification (germline): Conflicting classifications of pathogenicity. Review status: criteria provided, conflicting classifications (1 of 4 stars). 2 submissions from 2 submitters: Uncertain significance (1); Likely benign (1). Last evaluated 2026-04-01.

Conditions:
Inborn genetic diseases. Identifiers: MedGen C0950123, MeSH D030342.

Allele frequency attached by ClinVar (database versions not stated): TOPMed 0.00005.
gnomAD v4.1: 38 of 1,343,260 alleles (0.0028%); highest among the groups gnomAD compares: Middle Eastern, 0.052%; no homozygotes.

Submissions (2):

CeGaT Center for Human Genetics Tuebingen
Classification: Likely benign. Last evaluated: 2026-04-01. Review status: criteria provided, single submitter. Criteria: CeGaT Center For Human Genetics Tuebingen Variant Classification Criteria Version 2. Collection method: clinical testing. Allele origin: germline. Affected: yes. Observed: 1 variant allele.
Comment: CUX1: BP1

Ambry Genetics
Classification: Uncertain significance for Inborn genetic diseases. Last evaluated: 2024-01-22. Review status: criteria provided, single submitter. Criteria: Ambry Variant Classification Scheme 2023. Collection method: clinical testing. Allele origin: germline.

NM_181552.4(CUX1):c.4351C>G (p.Arg1451Gly)

Gene: CUX1 (cut like homeobox 1; plus strand). Cytogenetic location: 7q22.1.
Variant type: single nucleotide variant.
Coding change: c.4351C>G on transcript NM_181552.4 (MANE Select); coding-DNA position 4351, C replaced by G.
Protein change: p.Arg1451Gly; replaces arginine 1451 with glycine.
Molecular consequence: missense variant. On other transcripts: intron variant (5).
Genome position (GRCh38, 1-based): chr7:102,248,875, C>G. VCF-style: chr7-102248875-C-G. GRCh37 (hg19) VCF-style: chr7-101892155-C-G.
Other names: c.4384C>G, p.Arg1462Gly (NM_001202543.2); c.1256-24491C>G (NM_001913.5); c.1250-24491C>G (NM_181500.4); c.1118-24491C>G (NM_001202545.3); c.1208-24491C>G (NM_001202544.3); c.1139-24491C>G (NM_001202546.3); short protein forms R1451G, R1462G.
Identifiers: ClinVar variation 3079049 (VCV003079049.3), dbSNP rs1259086264, ClinGen allele CA368669907.
Genomic context (GRCh38, chr7:102,248,875, plus strand): 5'-GGCCCCGCGGCCCCGAGCTCCGCGCCGCCGCCCAGCAACAGCAGCAGCAGCAGCGCCCCC[C>G]GCAGGCCCAGCTCGCTGCAGAGCCTTTTCGGCCTCCCCGAGGCCGCGGGCGCCCGGGACT-3'
Protein context (NP_853530.2, residues 1441-1461): PSNSSSSSAP[Arg1451Gly]RPSSLQSLFG